The following is an entry in ClinVar:

NM_198252.3(GSN):c.2027-32G>A

Gene: GSN (gelsolin; plus strand). Cytogenetic location: 9q33.2.
Variant type: single nucleotide variant.
Coding change: c.2027-32G>A on transcript NM_198252.3 (MANE Select); 32 bases into the intron before coding-DNA position 2027, G replaced by A.
Molecular consequence: intron variant.
Genome position (GRCh38, 1-based): chr9:121,332,402, G>A. VCF-style: chr9-121332402-G-A. GRCh37 (hg19) VCF-style: chr9-124094680-G-A.
Other names: c.2027-32G>A (NM_001353054.1, NM_001353053.1, NM_001353060.2 and 10 more transcripts); c.2060-32G>A (NM_001353064.2, NM_001353066.2, NM_001353073.2 and 13 more transcripts); c.2135-32G>A (NM_001127663.2); c.2099-32G>A (NM_001353076.2); c.1373-32G>A (NM_001353078.2); c.2078-32G>A (NM_001258029.2); c.2051-32G>A (NM_001258030.2); c.2180-32G>A (NM_000177.5).
Identifiers: ClinVar variation 3341545 (VCV003341545.16).

ClinVar aggregate classification (germline): Likely benign (1 of 4 stars; one submission).

gnomAD v4.1: 12,593 of 1,606,270 alleles (0.78%); highest among the groups gnomAD compares: Middle Eastern, 2.9%; 82 homozygotes.

Submission:

CeGaT Center for Human Genetics Tuebingen
Classification: Likely benign. Last evaluated: 2026-10-01. Review status: criteria provided, single submitter. Criteria: CeGaT Center For Human Genetics Tuebingen Variant Classification Criteria Version 2. Collection method: clinical testing. Allele origin: germline. Affected: yes. Observed: 26 variant alleles.
Comment: GSN: BS2